The following is an entry in ClinVar:

ClinVar aggregate classification (germline): Benign/Likely benign. Review status: criteria provided, multiple submitters, no conflicts (2 of 4 stars). 3 submissions from 3 submitters: Benign (1); Likely benign (2). Last evaluated 2025-01-28.

Conditions:
Hereditary nonpolyposis colorectal neoplasms. Identifiers: MedGen C0009405, MeSH D003123.
Hereditary cancer-predisposing syndrome. Also called: Tumor predisposition; Hereditary neoplastic syndrome; Neoplastic Syndromes, Hereditary; Hereditary Cancer Syndrome. Identifiers: Orphanet 140162, MedGen C0027672, MeSH D009386, MONDO:0015356.
Lynch syndrome 4 (LYNCH4). Also called: Hereditary non-polyposis colorectal cancer, type 4; Colorectal cancer, hereditary nonpolyposis, type 4. Identifiers: Orphanet 144, MedGen C1838333, MONDO:0013699, OMIM 614337. Disease mechanism: loss of function.

Submissions (3):

Myriad Genetics, Inc.
Classification: Benign for Lynch syndrome 4. Last evaluated: 2025-01-28. Review status: criteria provided, single submitter. Criteria: Myriad Autosomal Dominant, Autosomal Recessive and X-Linked Classification Criteria (2023). Collection method: clinical testing. Allele origin: unknown.
Comment: This variant is considered benign. This variant is a silent/synonymous amino acid change and it is not expected to impact splicing.

Labcorp Genetics (formerly Invitae), Labcorp
Classification: Likely benign for Hereditary nonpolyposis colorectal neoplasms. Last evaluated: 2021-11-29. Review status: criteria provided, single submitter. Criteria: Invitae Variant Classification Sherloc (09022015). Collection method: clinical testing. Allele origin: germline.

Ambry Genetics
Classification: Likely benign for Hereditary cancer-predisposing syndrome. Last evaluated: 2016-06-06. Review status: criteria provided, single submitter. Criteria: Ambry Variant Classification Scheme 2023. Collection method: clinical testing. Allele origin: germline.

NM_000535.7(PMS2):c.787C>T (p.Leu263=)

Gene: PMS2 (PMS1 homolog 2, mismatch repair system component; minus strand). Cytogenetic location: 7p22.1.
Variant type: single nucleotide variant.
Coding change: c.787C>T on transcript NM_000535.7 (MANE Select); coding-DNA position 787, C replaced by T.
Protein change: p.Leu263=; no amino-acid change (leucine 263 retained).
Molecular consequence: synonymous variant. On other transcripts: 5 prime UTR variant (2), non-coding transcript variant (1).
Genome position (GRCh38, 1-based): chr7:5,997,342, G>A on the plus strand (C>T on the coding strand, the complement: PMS2 is on the minus strand). VCF-style: chr7-5997342-G-A. GRCh37 (hg19) VCF-style: chr7-6036973-G-A.
Other names: c.382C>T, p.Leu128= (NM_001322003.2, NM_001322004.2, NM_001322005.2 and 2 more transcripts); c.787C>T, p.Leu263= (NM_001322006.2, NM_001322014.2); c.469C>T, p.Leu157= (NM_001322007.2, NM_001322008.2); c.-147C>T (NM_001322011.2, NM_001322012.2); c.214C>T, p.Leu72= (NM_001322013.2); c.478C>T, p.Leu160= (NM_001322015.2).
Identifiers: ClinVar variation 1612717 (VCV001612717.11), dbSNP rs587779345, ClinGen allele CA453646104.